The following is an entry in ClinVar:

ClinVar aggregate classification (germline): Uncertain significance (1 of 4 stars; one submission).

Conditions:
Autoimmune lymphoproliferative syndrome type 1. Also called: AUTOIMMUNE LYMPHOPROLIFERATIVE SYNDROME, TYPE I, AUTOSOMAL DOMINANT. Identifiers: Orphanet 3261, MedGen C2717884, MONDO:0011158, OMIM 601859.

gnomAD v4.1: 1 of 1,613,670 alleles (0.000062%); highest among the groups gnomAD compares: Non-Finnish European, 0.000085%; no homozygotes.

Submission:

Labcorp Genetics (formerly Invitae), Labcorp
Classification: Uncertain significance for Autoimmune lymphoproliferative syndrome. Last evaluated: 2025-07-29. Review status: criteria provided, single submitter. Criteria: Invitae Variant Classification Sherloc (09022015). Collection method: clinical testing. Allele origin: germline.
Comment: This sequence change replaces histidine, which is basic and polar, with proline, which is neutral and non-polar, at codon 142 of the FAS protein (p.His142Pro). This variant is not present in population databases (gnomAD no frequency). This variant has not been reported in the literature in individuals affected with FAS-related conditions. Invitae Evidence Modeling of protein sequence and biophysical properties (such as structural, functional, and spatial information, amino acid conservation, physicochemical variation, residue mobility, and thermodynamic stability) indicates that this missense variant is expected to disrupt FAS protein function with a positive predictive value of 80%. In summary, the available evidence is currently insufficient to determine the role of this variant in disease. Therefore, it has been classified as a Variant of Uncertain Significance.

NM_000043.6(FAS):c.425A>C (p.His142Pro)

Gene: FAS (Fas cell surface death receptor; plus strand). Cytogenetic location: 10q23.31.
Variant type: single nucleotide variant.
Coding change: c.425A>C on transcript NM_000043.6 (MANE Select); coding-DNA position 425, A replaced by C.
Protein change: p.His142Pro; replaces histidine 142 with proline.
Molecular consequence: missense variant. On other transcripts: non-coding transcript variant (1).
Genome position (GRCh38, 1-based): chr10:89,008,979, A>C. VCF-style: chr10-89008979-A-C. GRCh37 (hg19) VCF-style: chr10-90768736-A-C.
Other names: c.425A>C, p.His142Pro (NM_001320619.2, NM_152871.4, NM_152872.4); c.470A>C, p.His157Pro (NM_001410956.1); short protein forms H157P, H142P.
Identifiers: ClinVar variation 4745951 (VCV004745951.1).
Genomic context (GRCh38, chr10:89,008,979, plus strand): 5'-CCCAGAATACCAAGTGCAGATGTAAACCAAACTTTTTTTGTAACTCTACTGTATGTGAAC[A>C]CTGTGACCCTTGCACCAAGTAAGTTTTAGTCTTTCTCTGATTAAAACACTAGATATAACA-3'
Protein context (NP_000034.1, residues 132-152): NFFCNSTVCE[His142Pro]CDPCTKCEHG